The following is an entry in ClinVar:

NM_007255.3(B4GALT7):c.563C>T (p.Pro188Leu)

Gene: B4GALT7 (beta-1,4-galactosyltransferase 7; plus strand). Cytogenetic location: 5q35.3.
Variant type: single nucleotide variant.
Coding change: c.563C>T on transcript NM_007255.3 (MANE Select); coding-DNA position 563, C replaced by T.
Protein change: p.Pro188Leu; replaces proline 188 with leucine.
Molecular consequence: missense variant.
Genome position (GRCh38, 1-based): chr5:177,607,451, C>T. VCF-style: chr5-177607451-C-T. GRCh37 (hg19) VCF-style: chr5-177034452-C-T.
Other names: short protein forms P188L.
Identifiers: ClinVar variation 385493 (VCV000385493.2), dbSNP rs149484064, ClinGen allele CA3586534.

ClinVar aggregate classification (germline): Uncertain significance (1 of 4 stars; one submission).

gnomAD v4.1: 23 of 1,613,742 alleles (0.0014%); highest among the groups gnomAD compares: Non-Finnish European, 0.0017%; no homozygotes.

Submission:

GeneDx
Classification: Uncertain significance. Last evaluated: 2016-04-08. Review status: criteria provided, single submitter. Criteria: GeneDx Variant Classification (06012015). Collection method: clinical testing. Allele origin: germline. Affected: yes.
Comment: The P188L variant in the B4GALT7 gene has not been reported previously as a pathogenic variant, nor as a benign variant, to our knowledge. The P188L variant was not observed in approximately 6500 individuals of European and African American ancestry in the NHLBI Exome Sequencing Project, indicating it is not a common benign variant in these populations. The P188L variant is a semi-conservative amino acid substitution, which may impact secondary protein structure as these residues differ in some properties. This substitution occurs at a position that is conserved across species. In silico analysis is inconsistent in its predictions as to whether or not the variant is damaging to the protein structure/function. We interpret P188L as a variant of uncertain significance.